The following is an entry in ClinVar:

ClinVar aggregate classification (germline): Uncertain significance. Review status: criteria provided, multiple submitters, no conflicts (2 of 4 stars). 2 submissions from 2 submitters: Uncertain significance (2). Last evaluated 2026-04-20.

Allele frequency attached by ClinVar (database versions not stated): gnomAD exomes 0.00002 and 0.00004; TOPMed 0.00003; ExAC 0.00005.

Submissions (2):

Women's Health and Genetics/Laboratory Corporation of America, LabCorp
Classification: Uncertain significance. Last evaluated: 2026-04-20. Review status: criteria provided, single submitter. Criteria: LabCorp Variant Classification Summary - May 2015. Collection method: clinical testing. Allele origin: germline.

Labcorp Genetics (formerly Invitae), Labcorp
Classification: Uncertain significance. Last evaluated: 2024-11-12. Review status: criteria provided, single submitter. Criteria: Invitae Variant Classification Sherloc (09022015). Collection method: clinical testing. Allele origin: germline.
Comment: This sequence change replaces leucine, which is neutral and non-polar, with valine, which is neutral and non-polar, at codon 427 of the TFRC protein (p.Leu427Val). This variant is present in population databases (rs764631124, gnomAD 0.02%). This variant has not been reported in the literature in individuals affected with TFRC-related conditions. ClinVar contains an entry for this variant (Variation ID: 1401177). Invitae Evidence Modeling of protein sequence and biophysical properties (such as structural, functional, and spatial information, amino acid conservation, physicochemical variation, residue mobility, and thermodynamic stability) indicates that this missense variant is not expected to disrupt TFRC protein function with a negative predictive value of 80%. In summary, the available evidence is currently insufficient to determine the role of this variant in disease. Therefore, it has been classified as a Variant of Uncertain Significance.

NM_001128148.3(TFRC):c.1279T>G (p.Leu427Val)

Gene: TFRC (transferrin receptor; minus strand). Cytogenetic location: 3q29.
Variant type: single nucleotide variant.
Coding change: c.1279T>G on transcript NM_001128148.3 (MANE Select); coding-DNA position 1279, T replaced by G.
Protein change: p.Leu427Val; replaces leucine 427 with valine.
Molecular consequence: missense variant.
Genome position (GRCh38, 1-based): chr3:196,064,348, A>C on the plus strand (T>G on the coding strand, the complement: TFRC is on the minus strand). VCF-style: chr3-196064348-A-C. GRCh37 (hg19) VCF-style: chr3-195791219-A-C.
Other names: c.1036T>G, p.Leu346Val (NM_001313965.2); c.433T>G, p.Leu145Val (NM_001313966.2); c.1279T>G, p.Leu427Val (NM_003234.4); short protein forms L145V, L346V, L427V.
Identifiers: ClinVar variation 1401177 (VCV001401177.7), dbSNP rs764631124, ClinGen allele CA2777977.
Genomic context (GRCh38, chr3:196,064,348, plus strand): 5'-GAATCAAAATTTGTACTCTACCTTTTAAGACCATATCTGAGAACATCTGGGCAAGTTTCA[A>C]TAGGAGAGCTGTGCCTACACCGGATTTTGCAGCTCCAGGGCCCCATGCATCTCTCTGGGC-3'
Protein context (NP_001121620.1, residues 417-437): AKSGVGTALL[Leu427Val]KLAQMFSDMV